The following is an entry in ClinVar:

ClinVar aggregate classification (germline): Benign. Review status: criteria provided, multiple submitters, no conflicts (2 of 4 stars). 4 submissions from 4 submitters: Benign (3). 1 of the submissions does not count toward it. Last evaluated 2026-01-28.

Conditions:
AIMP1-related disorder. Also called: AIMP1-related condition.

Allele frequency attached by ClinVar (database versions not stated): gnomAD exomes 0.00247 and 0.00698; ExAC 0.00892; gnomAD 0.02638 and 0.02855; 1000 Genomes Project 0.02776; TOPMed 0.02923; ESP Exome Variant Server 0.03083; 1000 Genomes Project 30x 0.03170.
gnomAD v4.1: 7,816 of 1,612,208 alleles (0.48%); highest among the groups gnomAD compares: African/African-American, 9.1%; 318 homozygotes.

Submissions (4):

Labcorp Genetics (formerly Invitae), Labcorp
Classification: Benign. Last evaluated: 2026-01-28. Review status: criteria provided, single submitter. Criteria: Invitae Variant Classification Sherloc (09022015). Collection method: clinical testing. Allele origin: germline.

GeneDx
Classification: Benign. Last evaluated: 2021-06-09. Review status: criteria provided, single submitter. Criteria: GeneDx Variant Classification Process June 2021. Collection method: clinical testing. Allele origin: germline. Affected: yes.

Breakthrough Genomics
Classification: Benign. Review status: criteria provided, single submitter. Criteria: ACMG Guidelines, 2015. Collection method: not provided. Allele origin: germline. Inheritance: Autosomal recessive inheritance. Affected: yes.

PreventionGenetics, part of Exact Sciences
Classification: Benign for AIMP1-related condition. Last evaluated: 2019-04-12. Review status: no assertion criteria provided. Collection method: clinical testing. Allele origin: germline. Not counted in ClinVar's aggregate classification.
Comment: This variant is classified as benign based on ACMG/AMP sequence variant interpretation guidelines (Richards et al. 2015 PMID: 25741868, with internal and published modifications).

NM_001142416.2(AIMP1):c.349A>G (p.Thr117Ala)

Gene: AIMP1 (aminoacyl tRNA synthetase complex interacting multifunctional protein 1; plus strand). Cytogenetic location: 4q24.
Variant type: single nucleotide variant.
Coding change: c.349A>G on transcript NM_001142416.2 (MANE Select); coding-DNA position 349, A replaced by G.
Protein change: p.Thr117Ala; replaces threonine 117 with alanine.
Molecular consequence: missense variant.
Genome position (GRCh38, 1-based): chr4:106,328,201, A>G. VCF-style: chr4-106328201-A-G. GRCh37 (hg19) VCF-style: chr4-107249358-A-G.
Other names: c.349A>G, p.Thr117Ala (NM_001142415.2, NM_004757.4); short protein forms T117A.
Identifiers: ClinVar variation 776008 (VCV000776008.14), dbSNP rs2230255, ClinGen allele CA3035689.
Genomic context (GRCh38, chr4:106,328,201, plus strand): 5'-ATACAGTCTACAGCAGTAACAACCGTATCTTCTGGTACCAAAGAACAGATAAAAGGAGGA[A>G]CAGGAGACGAAAAGAAAGCGAAAGAGAAAATTGAAAAGAAAGGTATTTTTGACCTTTAAG-3'
Protein context (NP_001135888.2, residues 107-127): SGTKEQIKGG[Thr117Ala]GDEKKAKEKI